The following is an entry in ClinVar:

ClinVar aggregate classification (germline): Uncertain significance (1 of 4 stars; one submission).

Conditions:
Early-infantile DEE. Also called: Early infantile epileptic encephalopathy with suppression bursts; Ohtahara syndrome; Early infantile epileptic encephalopathy. Identifiers: Orphanet 1934, MedGen C0393706, MONDO:0800491.

Allele frequency attached by ClinVar (database versions not stated): TOPMed below 0.00001; gnomAD 0.00001; gnomAD exomes 0.00001; ExAC 0.00002.
gnomAD v4.1: 11 of 1,613,900 alleles (0.00068%); highest among the groups gnomAD compares: Non-Finnish European, 0.00093%; no homozygotes.

Submission:

Labcorp Genetics (formerly Invitae), Labcorp
Classification: Uncertain significance for Early-infantile DEE. Last evaluated: 2023-09-06. Review status: criteria provided, single submitter. Criteria: Invitae Variant Classification Sherloc (09022015). Collection method: clinical testing. Allele origin: germline.
Comment: In summary, the available evidence is currently insufficient to determine the role of this variant in disease. Therefore, it has been classified as a Variant of Uncertain Significance. Advanced modeling of protein sequence and biophysical properties (such as structural, functional, and spatial information, amino acid conservation, physicochemical variation, residue mobility, and thermodynamic stability) has been performed at Invitae for this missense variant, however the output from this modeling did not meet the statistical confidence thresholds required to predict the impact of this variant on SPTAN1 protein function. ClinVar contains an entry for this variant (Variation ID: 1359698). This variant has not been reported in the literature in individuals affected with SPTAN1-related conditions. This variant is present in population databases (rs754183499, gnomAD 0.002%). This sequence change replaces valine, which is neutral and non-polar, with alanine, which is neutral and non-polar, at codon 2383 of the SPTAN1 protein (p.Val2383Ala).

NM_001130438.3(SPTAN1):c.7148T>C (p.Val2383Ala)

Gene: SPTAN1 (spectrin alpha, non-erythrocytic 1; plus strand). Cytogenetic location: 9q34.11.
Variant type: single nucleotide variant.
Coding change: c.7148T>C on transcript NM_001130438.3 (MANE Select); coding-DNA position 7148, T replaced by C.
Protein change: p.Val2383Ala; replaces valine 2383 with alanine.
Molecular consequence: missense variant.
Genome position (GRCh38, 1-based): chr9:128,632,706, T>C. VCF-style: chr9-128632706-T-C. GRCh37 (hg19) VCF-style: chr9-131394985-T-C.
Other names: c.7148T>C, p.Val2383Ala (NM_001375311.2); c.7184T>C, p.Val2395Ala (NM_001375312.2); c.7130T>C, p.Val2377Ala (NM_001375313.1); c.7088T>C, p.Val2363Ala (NM_001375314.2, NM_001363765.2); c.7247T>C, p.Val2416Ala (NM_001375318.1); c.7133T>C, p.Val2378Ala (NM_003127.4); c.7073T>C, p.Val2358Ala (NM_001195532.2); c.7211T>C, p.Val2404Ala (NM_001363759.2); and 1 more; short protein forms V2377A, V2378A, V2395A, V2416A, V2358A, V2383A, V2363A, V2404A.
Identifiers: ClinVar variation 1359698 (VCV001359698.9), dbSNP rs754183499, ClinGen allele CA5266012.
Genomic context (GRCh38, chr9:128,632,706, plus strand): 5'-ACCTGCCCATGGTGGAGGAAGGGGAACCTGACCCTGAGTTCGAGGCAATCCTGGACACGG[T>C]GGATCCGAACAGGTAAATTAATTAAGGCCAGGTGCTGTGAGCCTCTGCCCGGGGCACCCA-3'
Protein context (NP_001123910.1, residues 2373-2393): DPEFEAILDT[Val2383Ala]DPNRDGHVSL